The following is an entry in ClinVar:

NM_201384.3(PLEC):c.11266G>C (p.Glu3756Gln)

Gene: PLEC (plectin; minus strand). Cytogenetic location: 8q24.3.
Variant type: single nucleotide variant.
Coding change: c.11266G>C on transcript NM_201384.3 (MANE Select); coding-DNA position 11266, G replaced by C.
Protein change: p.Glu3756Gln; replaces glutamic acid 3756 with glutamine.
Molecular consequence: missense variant.
Genome position (GRCh38, 1-based): chr8:143,918,555, C>G on the plus strand (G>C on the coding strand, the complement: PLEC is on the minus strand). VCF-style: chr8-143918555-C-G. GRCh37 (hg19) VCF-style: chr8-144992723-C-G.
Other names: c.11347G>C, p.Glu3783Gln (NM_000445.5); c.11224G>C, p.Glu3742Gln (NM_201378.4); c.11200G>C, p.Glu3734Gln (NM_201379.3); c.11677G>C, p.Glu3893Gln (NM_201380.4); c.11170G>C, p.Glu3724Gln (NM_201381.3); c.11266G>C, p.Glu3756Gln (NM_201382.4); c.11278G>C, p.Glu3760Gln (NM_201383.3); short protein forms E3724Q, E3742Q, E3760Q, E3893Q, E3734Q, E3783Q, E3756Q.
Identifiers: ClinVar variation 1449949 (VCV001449949.8), dbSNP rs369563702, ClinGen allele CA4924396.

ClinVar aggregate classification (germline): Uncertain significance (1 of 4 stars; one submission).

Conditions:
Epidermolysis bullosa simplex 5B, with muscular dystrophy (EBS5B). Also called: Epidermolysis bullosa simplex with muscular dystrophy; EPIDERMOLYSIS BULLOSA SIMPLEX AND LIMB-GIRDLE MUSCULAR DYSTROPHY. Identifiers: Orphanet 257, MedGen C2931072, MONDO:0009181, OMIM 226670.
Epidermolysis bullosa simplex, Ogna type (EBS5A). Also called: Pidermolysis bullosa simplex 5A, Ogna type; EPIDERMOLYSIS BULLOSA SIMPLEX 5A, OGNA TYPE. Identifiers: Orphanet 79401, MedGen C0432317, MONDO:0007555, OMIM 131950.
Epidermolysis bullosa simplex with nail dystrophy (EBS5D). Identifiers: MedGen C4225309, MONDO:0014661, OMIM 616487.
Epidermolysis bullosa simplex 5C, with pyloric atresia (EBS5C). Also called: Epidermolysis bullosa simplex with pyloric atresia; PLEC-Related Epidermolysis Bullosa with Pyloric Atresia; PLEC1-Related Epidermolysis Bullosa with Pyloric Atresia. Identifiers: Orphanet 158684, MedGen C2677349, MONDO:0012807, OMIM 612138.
Autosomal recessive limb-girdle muscular dystrophy type 2Q (LGMDR17). Also called: MUSCULAR DYSTROPHY, LIMB-GIRDLE, AUTOSOMAL RECESSIVE 17. Identifiers: Orphanet 254361, MedGen C3150989, MONDO:0013390, OMIM 613723.

gnomAD v4.1: 15 of 1,610,676 alleles (0.00093%); highest among the groups gnomAD compares: South Asian, 0.015%; no homozygotes.

Submission:

Labcorp Genetics (formerly Invitae), Labcorp
Classification: Uncertain significance for Autosomal recessive limb-girdle muscular dystrophy type 2Q; Epidermolysis bullosa simplex, Ogna type; Epidermolysis bullosa simplex with nail dystrophy; Epidermolysis bullosa simplex 5C, with pyloric atresia; Epidermolysis bullosa simplex 5B, with muscular dystrophy. Last evaluated: 2022-01-12. Review status: criteria provided, single submitter. Criteria: Invitae Variant Classification Sherloc (09022015). Collection method: clinical testing. Allele origin: germline.
Comment: This sequence change replaces glutamic acid, which is acidic and polar, with glutamine, which is neutral and polar, at codon 3783 of the PLEC protein (p.Glu3783Gln). This variant is present in population databases (rs369563702, gnomAD 0.007%). This variant has not been reported in the literature in individuals affected with PLEC-related conditions. Algorithms developed to predict the effect of missense changes on protein structure and function (SIFT, PolyPhen-2, Align-GVGD) all suggest that this variant is likely to be disruptive. In summary, the available evidence is currently insufficient to determine the role of this variant in disease. Therefore, it has been classified as a Variant of Uncertain Significance.